The following is an entry in ClinVar:

ClinVar aggregate classification (germline): Benign/Likely benign. Review status: criteria provided, multiple submitters, no conflicts (2 of 4 stars). 7 submissions from 7 submitters: Benign (1); Likely benign (5). 1 of the submissions does not count toward it. Last evaluated 2026-05-18.

Conditions:
Hereditary cancer-predisposing syndrome. Also called: Neoplastic Syndromes, Hereditary; Hereditary Cancer Syndrome; Tumor predisposition; Hereditary neoplastic syndrome. Identifiers: Orphanet 140162, MedGen C0027672, MeSH D009386, MONDO:0015356.
NF1-related disorder. Also called: NF1-related condition. Identifiers: MedGen CN379171.
Neurofibromatosis, type 1 (NF1). Also called: Peripheral type neurofibromatosis; Neurofibromatosis, type I; VON RECKLINGHAUSEN DISEASE; NEUROFIBROMATOSIS, TYPE I, SOMATIC. Identifiers: Orphanet 636, MedGen C0027831, MONDO:0018975, OMIM 162200. Disease mechanism: loss of function.

Allele frequency attached by ClinVar (database versions not stated): gnomAD 0.00001; gnomAD exomes 0.00001; TOPMed 0.00001.
gnomAD v4.1: 38 of 1,613,806 alleles (0.0024%); highest among the groups gnomAD compares: Non-Finnish European, 0.0031%; no homozygotes.

Submissions (7):

Myriad Genetics, Inc.
Classification: Benign for Neurofibromatosis, type 1. Last evaluated: 2026-05-18. Review status: criteria provided, single submitter. Criteria: Myriad Autosomal Dominant, Autosomal Recessive and X-Linked Classification Criteria (2023). Collection method: clinical testing. Allele origin: unknown.
Comment: This variant is considered benign. This variant is a silent/synonymous amino acid change and it is not expected to impact splicing.

Labcorp Genetics (formerly Invitae), Labcorp
Classification: Likely benign for Neurofibromatosis, type 1. Last evaluated: 2026-01-11. Review status: criteria provided, single submitter. Criteria: Invitae Variant Classification Sherloc (09022015). Collection method: clinical testing. Allele origin: germline.

GeneDx
Classification: Likely benign. Last evaluated: 2023-02-15. Review status: criteria provided, single submitter. Criteria: GeneDx Variant Classification Process June 2021. Collection method: clinical testing. Allele origin: germline. Affected: yes.
Comment: See Variant Classification Assertion Criteria.

Blueprint Genetics
Classification: Likely benign. Last evaluated: 2022-09-23. Review status: criteria provided, single submitter. Criteria: ACMG Guidelines, 2015. Collection method: clinical testing. Allele origin: germline.

Genome-Nilou Lab
Classification: Likely benign for Neurofibromatosis, type 1. Last evaluated: 2022-03-15. Review status: criteria provided, single submitter. Criteria: ACMG Guidelines, 2015. Collection method: clinical testing. Allele origin: germline. Affected: no.

Ambry Genetics
Classification: Likely benign for Hereditary cancer-predisposing syndrome. Last evaluated: 2015-02-28. Review status: criteria provided, single submitter. Criteria: Ambry Autosomal Dominant and X-Linked criteria (10/2015). Collection method: clinical testing. Allele origin: germline. Observed: 1 variant allele.

PreventionGenetics, part of Exact Sciences
Classification: Likely benign for NF1-related condition. Last evaluated: 2019-03-18. Review status: no assertion criteria provided. Collection method: clinical testing. Allele origin: germline. Not counted in ClinVar's aggregate classification.
Comment: This variant is classified as likely benign based on ACMG/AMP sequence variant interpretation guidelines (Richards et al. 2015 PMID: 25741868, with internal and published modifications).

NM_001042492.3(NF1):c.2355A>G (p.Glu785=)

Gene: NF1 (neurofibromin 1; plus strand). Cytogenetic location: 17q11.2.
Variant type: single nucleotide variant.
Coding change: c.2355A>G on transcript NM_001042492.3 (MANE Select); coding-DNA position 2355, A replaced by G.
Protein change: p.Glu785=; no amino-acid change (glutamic acid 785 retained).
Molecular consequence: synonymous variant.
Genome position (GRCh38, 1-based): chr17:31,227,552, A>G. VCF-style: chr17-31227552-A-G. GRCh37 (hg19) VCF-style: chr17-29554570-A-G.
Other names: c.2355A>G, p.Glu785= (NM_000267.4).
Identifiers: ClinVar variation 230539 (VCV000230539.20), dbSNP rs876658622, ClinGen allele CA10580251.